The following is an entry in ClinVar:

ClinVar aggregate classification (germline): Pathogenic (1 of 4 stars; one submission).

Conditions:
Hereditary cancer-predisposing syndrome. Also called: Neoplastic Syndromes, Hereditary; Tumor predisposition; Hereditary Cancer Syndrome; Hereditary neoplastic syndrome. Identifiers: Orphanet 140162, MedGen C0027672, MeSH D009386, MONDO:0015356.

Submission:

Ambry Genetics
Classification: Pathogenic for Hereditary cancer-predisposing syndrome. Last evaluated: 2023-04-26. Review status: criteria provided, single submitter. Criteria: Ambry Variant Classification Scheme 2023. Collection method: clinical testing. Allele origin: germline.
Comment: The c.1583delT pathogenic mutation, located in coding exon 11 of the NBN gene, results from a deletion of one nucleotide at nucleotide position 1583, causing a translational frameshift with a predicted alternate stop codon (p.L528*). This alteration is expected to result in loss of function by premature protein truncation or nonsense-mediated mRNA decay. As such, this alteration is interpreted as a disease-causing mutation.

NM_002485.5(NBN):c.1583del (p.Asp527_Leu528insTer)

Gene: NBN (nibrin; minus strand). Cytogenetic location: 8q21.3.
Variant type: Deletion.
Coding change: c.1583del on transcript NM_002485.5 (MANE Select); coding-DNA position 1583, one base deleted (T; older notation c.1583delT).
Protein change: p.Asp527_Leu528insTer.
Molecular consequence: nonsense.
Genome position (GRCh38, 1-based): chr8:89,953,506, A deleted on the plus strand (T on the coding strand, the reverse complement: NBN is on the minus strand); the first of 3 consecutive A bases (chr8:89,953,506-89,953,508); deleting any one gives the same sequence. VCF-style (leftmost placement, unchanged base first): chr8-89953505-TA-T. GRCh37 (hg19) VCF-style: chr8-90965733-TA-T.
Other names: c.1337del, p.Asp445_Leu446insTer (NM_001024688.3); c.1583delT (NM_002485.4).
Identifiers: ClinVar variation 483964 (VCV000483964.6), dbSNP rs1554558406, ClinGen allele CA658657793.